The following is an entry in ClinVar:

ClinVar aggregate classification (germline): Uncertain significance (1 of 4 stars; one submission).

gnomAD v4.1: 1 of 1,599,084 alleles (0.000063%); highest among the groups gnomAD compares: Non-Finnish European, 0.000085%; no homozygotes.

Submission:

Labcorp Genetics (formerly Invitae), Labcorp
Classification: Uncertain significance. Last evaluated: 2023-05-22. Review status: criteria provided, single submitter. Criteria: Invitae Variant Classification Sherloc (09022015). Collection method: clinical testing. Allele origin: germline.
Comment: In summary, the available evidence is currently insufficient to determine the role of this variant in disease. Therefore, it has been classified as a Variant of Uncertain Significance. An algorithm developed to predict the effect of missense changes on protein structure and function (PolyPhen-2) suggests that this variant is likely to be disruptive. This variant has not been reported in the literature in individuals affected with SPPL2A-related conditions. The frequency data for this variant in the population databases is considered unreliable, as metrics indicate poor data quality at this position in the gnomAD database. This sequence change replaces phenylalanine, which is neutral and non-polar, with leucine, which is neutral and non-polar, at codon 426 of the SPPL2A protein (p.Phe426Leu).

NM_032802.4(SPPL2A):c.1276T>C (p.Phe426Leu)

Gene: SPPL2A (signal peptide peptidase like 2A; minus strand). Cytogenetic location: 15q21.2.
Variant type: single nucleotide variant.
Coding change: c.1276T>C on transcript NM_032802.4 (MANE Select); coding-DNA position 1276, T replaced by C.
Protein change: p.Phe426Leu; replaces phenylalanine 426 with leucine.
Molecular consequence: missense variant.
Genome position (GRCh38, 1-based): chr15:50,722,175, A>G on the plus strand (T>C on the coding strand, the complement: SPPL2A is on the minus strand). VCF-style: chr15-50722175-A-G. GRCh37 (hg19) VCF-style: chr15-51014372-A-G.
Other names: short protein forms F426L.
Identifiers: ClinVar variation 2867046 (VCV002867046.3), dbSNP rs1475503053, ClinGen allele CA392408331.